The following is an entry in ClinVar:

NM_001127511.3(APC):c.-9G>T

Gene: APC (APC regulator of Wnt signaling pathway; plus strand). Cytogenetic location: 5q22.2.
Variant type: single nucleotide variant.
Coding change: c.-9G>T on transcript NM_001127511.3; 9 bases upstream of the start codon, G replaced by T.
Molecular consequence: 5 prime UTR variant. On other transcripts: non-coding transcript variant (1), intron variant (5).
Genome position (GRCh38, 1-based): chr5:112,707,709, G>T. VCF-style: chr5-112707709-G-T. GRCh37 (hg19) VCF-style: chr5-112043406-G-T.
Other names: c.-192G>T (NM_001354895.2, NM_001407447.1, NM_001407452.1 and 3 more transcripts); c.-9G>T (NM_001354897.2, NM_001354902.2, NM_001407446.1); c.-1227G>T (NM_001407470.1, NM_001407472.1); c.-19+60G>T (NM_001407448.1, NM_001407450.1, NM_001407457.1 and 1 more transcripts); c.-43+60G>T (NM_001407453.1).
Identifiers: ClinVar variation 4778682 (VCV004778682.1).

ClinVar aggregate classification (germline): Uncertain significance (1 of 4 stars; one submission).

Conditions:
Familial adenomatous polyposis 1 (FAP1). Also called: POLYPOSIS, ADENOMATOUS INTESTINAL; FAMILIAL ADENOMATOUS POLYPOSIS 1, ATTENUATED. Identifiers: MedGen C2713442, MONDO:0021056, OMIM 175100. Disease mechanism: loss of function.

Submission:

Labcorp Genetics (formerly Invitae), Labcorp
Classification: Uncertain significance for Familial adenomatous polyposis 1. Last evaluated: 2025-11-18. Review status: criteria provided, single submitter. Criteria: Invitae Variant Classification Sherloc (09022015). Collection method: clinical testing. Allele origin: germline.
Comment: This variant occurs in a non-coding region of the APC gene. It does not change the encoded amino acid sequence of the APC protein. This variant is not present in population databases (gnomAD no frequency). This variant has not been reported in the literature in individuals affected with APC-related conditions. Experimental studies and prediction algorithms are not available or were not evaluated, and the functional significance of this variant is currently unknown. In summary, the available evidence is currently insufficient to determine the role of this variant in disease. Therefore, it has been classified as a Variant of Uncertain Significance.